The following is an entry in ClinVar:

ClinVar aggregate classification (germline): Likely benign (1 of 4 stars; one submission).

Submission:

Women's Health and Genetics/Laboratory Corporation of America, LabCorp
Classification: Likely benign. Last evaluated: 2023-11-17. Review status: criteria provided, single submitter. Criteria: LabCorp Variant Classification Summary - May 2015. Collection method: clinical testing. Allele origin: germline.
Comment: Variant summary: STAG2 c.2025+20C>T alters a non-conserved nucleotide located at a position not widely known to affect splicing. Consensus agreement among computational tools predict no significant impact on normal splicing. However, these predictions have yet to be confirmed by functional studies. The variant was absent in 150256 control chromosomes (gnomAD). The available data on variant occurrences in the general population are insufficient to allow any conclusion about variant significance. To our knowledge, no occurrence of c.2025+20C>T in individuals affected with STAG2-Related Disorders and no experimental evidence demonstrating its impact on protein function have been reported. No submitters have cited clinical-significance assessments for this variant to ClinVar after 2014. Based on the evidence outlined above, the variant was classified as likely benign.

Literature cited by the submitters: PubMed 26438359; PubMed 24220272; PubMed 24487413; PubMed 24335498; PubMed 25006131; PubMed 27276561.

NM_001042750.2(STAG2):c.2025+20C>T

Gene: STAG2 (STAG2 cohesin complex component; plus strand). Cytogenetic location: Xq25.
Variant type: single nucleotide variant.
Coding change: c.2025+20C>T on transcript NM_001042750.2 (MANE Select); 20 bases into the intron after coding-DNA position 2025, C replaced by T.
Molecular consequence: intron variant.
Genome position (GRCh38, 1-based): chrX:124,064,071, C>T. VCF-style: chrX-124064071-C-T. GRCh37 (hg19) VCF-style: chrX-123197921-C-T.
Other names: c.2025+20C>T (NM_001042749.2, NM_001375366.1, NM_001375373.1 and 13 more transcripts).
Identifiers: ClinVar variation 2682600 (VCV002682600.1), dbSNP rs2521838199, ClinGen allele CA2697544750.